The following is an entry in ClinVar:

ClinVar aggregate classification (germline): Uncertain significance (1 of 4 stars; one submission).

Conditions:
Cardiovascular phenotype. Identifiers: MedGen CN230736.

Allele frequency attached by ClinVar (database versions not stated): gnomAD exomes 0.00001.

Submission:

Ambry Genetics
Classification: Uncertain significance for Cardiovascular phenotype. Last evaluated: 2023-02-20. Review status: criteria provided, single submitter. Criteria: Ambry Variant Classification Scheme 2023. Collection method: clinical testing. Allele origin: germline.
Comment: The p.M3280I variant (also known as c.9840G>A), located in coding exon 26 of the APOB gene, results from a G to A substitution at nucleotide position 9840. The methionine at codon 3280 is replaced by isoleucine, an amino acid with highly similar properties. This amino acid position is conserved. In addition, this alteration is predicted to be tolerated by in silico analysis. Since supporting evidence is limited at this time, the clinical significance of this alteration remains unclear.

NM_000384.3(APOB):c.9840G>A (p.Met3280Ile)

Gene: APOB (apolipoprotein B; minus strand). Cytogenetic location: 2p24.1.
Variant type: single nucleotide variant.
Coding change: c.9840G>A on transcript NM_000384.3 (MANE Select); coding-DNA position 9840, G replaced by A.
Protein change: p.Met3280Ile; replaces methionine 3280 with isoleucine.
Molecular consequence: missense variant.
Genome position (GRCh38, 1-based): chr2:21,007,028, C>T on the plus strand (G>A on the coding strand, the complement: APOB is on the minus strand). VCF-style: chr2-21007028-C-T. GRCh37 (hg19) VCF-style: chr2-21229900-C-T.
Other names: short protein forms M3280I.
Identifiers: ClinVar variation 2451335 (VCV002451335.2), dbSNP rs1412206640, ClinGen allele CA345988554.